The following is an entry in ClinVar:

ClinVar aggregate classification (germline): Uncertain significance (1 of 4 stars; one submission).

Conditions:
RPGRIP1L-related disorder. Also called: RPGRIP1L-related condition; RPGRIP1L-related disorders. Identifiers: MedGen CN239416.

Submission:

PreventionGenetics, part of Exact Sciences
Classification: Uncertain significance for RPGRIP1L-related condition. Last evaluated: 2026-06-03. Review status: criteria provided, single submitter. Criteria: ACMG Guidelines, 2015. Collection method: clinical testing. Allele origin: germline.
Comment: The RPGRIP1L c.1958C>A variant is predicted to result in the amino acid substitution p.Pro653His. To our knowledge, this variant has not been reported in the literature or in a large population database (gnomAD), indicating this variant is rare. At this time, the clinical significance of this variant is uncertain due to the absence of conclusive functional and genetic evidence.

NM_015272.5(RPGRIP1L):c.1958C>A (p.Pro653His)

Gene: RPGRIP1L (RPGRIP1 like; minus strand). Cytogenetic location: 16q12.2.
Variant type: single nucleotide variant.
Coding change: c.1958C>A on transcript NM_015272.5 (MANE Select); coding-DNA position 1958, C replaced by A.
Protein change: p.Pro653His; replaces proline 653 with histidine.
Molecular consequence: missense variant.
Genome position (GRCh38, 1-based): chr16:53,652,729, G>T on the plus strand (C>A on the coding strand, the complement: RPGRIP1L is on the minus strand). VCF-style: chr16-53652729-G-T. GRCh37 (hg19) VCF-style: chr16-53686641-G-T.
Other names: c.1958C>A, p.Pro653His (NM_001127897.4, NM_001308334.3, NM_001330538.2); short protein forms P653H.
Identifiers: ClinVar variation 4991693 (VCV004991693.1).